The following is an entry in ClinVar:

ClinVar aggregate classification (germline): Likely benign. Review status: reviewed by expert panel (3 of 4 stars). 3 submissions from 3 submitters: Likely benign (1). 2 of the submissions do not count toward it. Last evaluated 2017-06-29.

Conditions:
Hereditary cancer-predisposing syndrome. Also called: Hereditary neoplastic syndrome; Hereditary Cancer Syndrome; Neoplastic Syndromes, Hereditary; Tumor predisposition. Identifiers: Orphanet 140162, MedGen C0027672, MeSH D009386, MONDO:0015356.
Breast-ovarian cancer, familial, susceptibility to, 2 (BROVCA2). Also called: BRCA2 Hereditary Breast and Ovarian Cancer. Identifiers: Orphanet 145, MedGen C2675520, MONDO:0012933, OMIM 612555. Disease mechanism: loss of function.

Allele frequency attached by ClinVar (database versions not stated): gnomAD exomes below 0.00001.
gnomAD v4.1: 1 of 1,613,920 alleles (0.000062%); no homozygotes.

Submissions (3):

Evidence-based Network for the Interpretation of Germline Mutant Alleles (ENIGMA)
Classification: Likely benign for Breast-ovarian cancer, familial, susceptibility to, 2. Last evaluated: 2017-06-29. Review status: reviewed by expert panel. Criteria: ENIGMA BRCA1/2 Classification Criteria (2017-06-29). Collection method: curation. Allele origin: germline.
Comment: Synonymous substitution variant, with low bioinformatic likelihood to result in a splicing aberration (Splicing prior probability 0.02).

Quest Diagnostics Nichols Institute San Juan Capistrano
Classification: Uncertain significance. Last evaluated: 2017-05-31. Review status: criteria provided, single submitter. Criteria: Quest Diagnostics criteria. Collection method: clinical testing. Allele origin: germline. Not counted in ClinVar's aggregate classification.

Ambry Genetics
Classification: Likely benign for Hereditary cancer-predisposing syndrome. Last evaluated: 2015-10-17. Review status: criteria provided, single submitter. Criteria: Ambry Variant Classification Scheme 2023. Collection method: clinical testing. Allele origin: germline. Not counted in ClinVar's aggregate classification.

NM_000059.4(BRCA2):c.8442T>C (p.Asn2814=)

Gene: BRCA2 (BRCA2 DNA repair associated; plus strand). Cytogenetic location: 13q13.1.
Variant type: single nucleotide variant.
Coding change: c.8442T>C on transcript NM_000059.4 (MANE Select); coding-DNA position 8442, T replaced by C.
Protein change: p.Asn2814=; no amino-acid change (asparagine 2814 retained).
Molecular consequence: synonymous variant.
Genome position (GRCh38, 1-based): chr13:32,370,512, T>C. VCF-style: chr13-32370512-T-C. GRCh37 (hg19) VCF-style: chr13-32944649-T-C.
Identifiers: ClinVar variation 427371 (VCV000427371.6), dbSNP rs1131692106, ClinGen allele CA483261255.
Genomic context (GRCh38, chr13:32,370,512, plus strand): 5'-CTTTCCTGACCCTAGACCTTTTCCTCTGCCCTTATCATCGCTTTTCAGTGATGGAGGAAA[T>C]GTTGGTTGTGTTGATGTAATTATTCAAAGAGCATACCCTATACAGGTATGATGTATTCTT-3'
Protein context (NP_000050.3, residues 2804-2824): PLSSLFSDGG[Asn2814=]VGCVDVIIQR